The following is an entry in ClinVar:

ClinVar aggregate classification (germline): Pathogenic/Likely pathogenic. Review status: criteria provided, multiple submitters, no conflicts (2 of 4 stars). 2 submissions from 2 submitters: Pathogenic (1); Likely pathogenic (1). Last evaluated 2025-01-31.

Conditions:
Autosomal recessive nonsyndromic hearing loss 77. Identifiers: Orphanet 90636, MedGen C2746083, MONDO:0013119, OMIM 613079.

gnomAD v4.1: 8 of 1,549,350 alleles (0.00052%); highest among the groups gnomAD compares: Admixed American, 0.016%; no homozygotes.

Submissions (2):

Natera, Inc.
Classification: Likely pathogenic for Autosomal recessive deafness type 77. Last evaluated: 2025-01-31. Review status: criteria provided, single submitter. Criteria: Natera Variant Classification Schema (03/2026). Collection method: clinical testing. Allele origin: germline.
Comment: The c.5868C>G variant in LOXHD1 is a nonsense variant predicted to introduce a stop codon at amino acid 1956. This variant is expected to result in nonsense mediated decay, truncation, or a dysfunctional protein product. This variant is rare in the general population with a frequency below the threshold expected for the associated phenotype(s). Given the available evidence, this variant is classified as Likely Pathogenic.

Labcorp Genetics (formerly Invitae), Labcorp
Classification: Pathogenic. Last evaluated: 2021-05-31. Review status: criteria provided, single submitter. Criteria: Invitae Variant Classification Sherloc (09022015). Collection method: clinical testing. Allele origin: germline.
Comment: For these reasons, this variant has been classified as Pathogenic. Algorithms developed to predict the effect of sequence changes on RNA splicing suggest that this variant may create or strengthen a splice site, but this prediction has not been confirmed by published transcriptional studies. This variant has not been reported in the literature in individuals with LOXHD1-related conditions. This variant is not present in population databases (ExAC no frequency). This sequence change creates a premature translational stop signal (p.Tyr1956*) in the LOXHD1 gene. It is expected to result in an absent or disrupted protein product. Loss-of-function variants in LOXHD1 are known to be pathogenic (PMID: 19732867, 21465660, 25792669).

Literature cited by the submitters: PubMed 19732867 (cited by Labcorp Genetics (formerly Invitae), Labcorp); PubMed 21465660 (cited by Labcorp Genetics (formerly Invitae), Labcorp); PubMed 25792669 (cited by Labcorp Genetics (formerly Invitae), Labcorp).

NM_001384474.1(LOXHD1):c.6054C>G (p.Tyr2018Ter)

Gene: LOXHD1 (lipoxygenase homology PLAT domains 1; minus strand). Cytogenetic location: 18q21.1.
Variant type: single nucleotide variant.
Coding change: c.6054C>G on transcript NM_001384474.1 (MANE Select); coding-DNA position 6054, C replaced by G.
Protein change: p.Tyr2018Ter; replaces tyrosine 2018 with a stop codon.
Molecular consequence: nonsense.
Genome position (GRCh38, 1-based): chr18:46,485,147, G>C on the plus strand (C>G on the coding strand, the complement: LOXHD1 is on the minus strand). VCF-style: chr18-46485147-G-C. GRCh37 (hg19) VCF-style: chr18-44065110-G-C.
Other names: c.2721C>G, p.Tyr907Ter (NM_001145472.3); c.771C>G, p.Tyr257Ter (NM_001145473.3, NM_001173129.2); c.2433C>G, p.Tyr811Ter (NM_001308013.2); c.5868C>G, p.Tyr1956Ter (NM_144612.7); c.5868C>G (NM_144612.6); short protein forms Y257*, Y811*, Y1956*, Y907*, Y2018*.
Identifiers: ClinVar variation 1413311 (VCV001413311.8), dbSNP rs137944477, ClinGen allele CA402366470.
Genomic context (GRCh38, chr18:46,485,147, plus strand): 5'-CAGGATGAGCCAGACGTTCTCCCTGGTTTCGCCTCCGTTGCCCGTTTCTATGACGATCTC[G>C]TAGGCTGTAATGGAGGAGGTGGGGGAGGGTCAGCACAGGGGAAGCAGTGCCCGTCTTCAG-3'